The following is an entry in ClinVar:

ClinVar aggregate classification (germline): Pathogenic (1 of 4 stars; one submission).

Conditions:
Fetal akinesia deformation sequence 1 (FADS1). Also called: Pena-Shokeir syndrome type I; Fetal akinesia sequence. Identifiers: Orphanet 994, MedGen C1276035, MONDO:0100101, OMIM 208150, HP:0001989.
Congenital myasthenic syndrome 11. Also called: Myasthenic syndrome, congenital, 11, associated with acetylcholine receptor deficiency; MYASTHENIC SYNDROME, CONGENITAL, Ie. Identifiers: Orphanet 590, MedGen C4225367, MONDO:0014588, OMIM 616326.

Submission:

Labcorp Genetics (formerly Invitae), Labcorp
Classification: Pathogenic for Congenital myasthenic syndrome 11; Fetal akinesia deformation sequence 1. Last evaluated: 2023-04-10. Review status: criteria provided, single submitter. Criteria: Invitae Variant Classification Sherloc (09022015). Collection method: clinical testing. Allele origin: germline.
Comment: For these reasons, this variant has been classified as Pathogenic. This variant has not been reported in the literature in individuals affected with RAPSN-related conditions. This variant results in the deletion of exon 1 and part of exon 2 (c.-8284_338del) of the RAPSN gene. It is expected to result in an absent or disrupted protein product. Loss-of-function variants in RAPSN are known to be pathogenic (PMID: 17686188).

Literature cited by the submitters: PubMed 17686188.

NC_000011.9:g.(?_47469557)_(47478800_?)del

Gene: RAPSN (receptor associated protein of the synapse; minus strand). Cytogenetic location: 11p11.2.
Variant type: Deletion.
Identifiers: ClinVar variation 1458494 (VCV001458494.9).